The following is an entry in ClinVar:

NM_020207.7(ERCC6L2):c.1857G>T (p.Arg619Ser)

Gene: ERCC6L2 (ERCC excision repair 6 like 2; plus strand). Cytogenetic location: 9q22.32.
Variant type: single nucleotide variant.
Coding change: c.1857G>T on transcript NM_020207.7 (MANE Select); coding-DNA position 1857, G replaced by T.
Protein change: p.Arg619Ser; replaces arginine 619 with serine.
Molecular consequence: missense variant. On other transcripts: non-coding transcript variant (1).
Genome position (GRCh38, 1-based): chr9:95,955,923, G>T. VCF-style: chr9-95955923-G-T. GRCh37 (hg19) VCF-style: chr9-98718205-G-T.
Other names: c.1857G>T, p.Arg619Ser (NM_001010895.4, NM_001375291.1, NM_001375292.1 and 2 more transcripts); short protein forms R619S.
Identifiers: ClinVar variation 4250642 (VCV004250642.1).
Genomic context (GRCh38, chr9:95,955,923, plus strand): 5'-ACCCAAAGTTGCTTCACTTGATTTTTGTTTGTATTTTTAATCCTTTTACAGAGCATATAG[G>T]ATTGGACAATGTAGAGATGTCAAAGTGCTTAGGCTGATATCCTTGGGAACTGTGGAGGAA-3'
Protein context (NP_064592.3, residues 609-629): NDLQAIDRAY[Arg619Ser]IGQCRDVKVL

ClinVar aggregate classification (germline): Uncertain significance (1 of 4 stars; one submission).

Conditions:
Inborn genetic diseases. Identifiers: MedGen C0950123, MeSH D030342.

Submission:

Ambry Genetics
Classification: Uncertain significance for Inborn genetic diseases. Last evaluated: 2025-09-01. Review status: criteria provided, single submitter. Criteria: Ambry Variant Classification Scheme 2023. Collection method: clinical testing. Allele origin: germline.
Comment: The p.R619S variant (also known as c.1857G>T), located in coding exon 13 of the ERCC6L2 gene, results from a G to T substitution at nucleotide position 1857. The arginine at codon 619 is replaced by serine, an amino acid with dissimilar properties. This amino acid position is conserved. In addition, this alteration is predicted to be deleterious by in silico analysis. Based on the available evidence, the clinical significance of this variant remains unclear.